The following is an entry in ClinVar:

ClinVar aggregate classification (germline): Uncertain significance (1 of 4 stars; one submission).

Submission:

Labcorp Genetics (formerly Invitae), Labcorp
Classification: Uncertain significance. Last evaluated: 2023-06-13. Review status: criteria provided, single submitter. Criteria: Invitae Variant Classification Sherloc (09022015). Collection method: clinical testing. Allele origin: germline.
Comment: This variant is not present in population databases (gnomAD no frequency). This sequence change replaces methionine, which is neutral and non-polar, with valine, which is neutral and non-polar, at codon 727 of the AMER1 protein (p.Met727Val). This variant has not been reported in the literature in individuals affected with AMER1-related conditions. Algorithms developed to predict the effect of missense changes on protein structure and function output the following: SIFT: "Not Available"; PolyPhen-2: "Benign"; Align-GVGD: "Not Available". The valine amino acid residue is found in multiple mammalian species, which suggests that this missense change does not adversely affect protein function. In summary, the available evidence is currently insufficient to determine the role of this variant in disease. Therefore, it has been classified as a Variant of Uncertain Significance.

NM_152424.4(AMER1):c.2179A>G (p.Met727Val)

Gene: AMER1 (APC membrane recruitment protein 1; minus strand). Cytogenetic location: Xq11.2.
Variant type: single nucleotide variant.
Coding change: c.2179A>G on transcript NM_152424.4 (MANE Select); coding-DNA position 2179, A replaced by G.
Protein change: p.Met727Val; replaces methionine 727 with valine.
Molecular consequence: missense variant.
Genome position (GRCh38, 1-based): chrX:64,191,108, T>C on the plus strand (A>G on the coding strand, the complement: AMER1 is on the minus strand). VCF-style: chrX-64191108-T-C. GRCh37 (hg19) VCF-style: chrX-63410988-T-C.
Other names: short protein forms M727V.
Identifiers: ClinVar variation 2860987 (VCV002860987.3), dbSNP rs2521210622, ClinGen allele CA413305158.